The following is an entry in ClinVar:

ClinVar aggregate classification (germline): Uncertain significance (1 of 4 stars; one submission).

Conditions:
Hyperammonemic encephalopathy due to carbonic anhydrase VA deficiency. Also called: Carbonic anhydrase VA deficiency, hyperammonemia due to; Carbonic Anhydrase VA Deficiency. Identifiers: Orphanet 401948, MedGen C4706871, MONDO:0014332, OMIM 615751.

Allele frequency attached by ClinVar (database versions not stated): gnomAD exomes 0.00002; ExAC 0.00003; gnomAD 0.00003; TOPMed 0.00004.
gnomAD v4.1: 35 of 1,613,598 alleles (0.0022%); highest among the groups gnomAD compares: Non-Finnish European, 0.0029%; no homozygotes.

Submission:

Labcorp Genetics (formerly Invitae), Labcorp
Classification: Uncertain significance for Hyperammonemic encephalopathy due to carbonic anhydrase VA deficiency. Last evaluated: 2023-12-09. Review status: criteria provided, single submitter. Criteria: Invitae Variant Classification Sherloc (09022015). Collection method: clinical testing. Allele origin: germline.
Comment: This sequence change replaces aspartic acid, which is acidic and polar, with asparagine, which is neutral and polar, at codon 108 of the CA5A protein (p.Asp108Asn). This variant is present in population databases (rs570806518, gnomAD 0.007%). This variant has not been reported in the literature in individuals affected with CA5A-related conditions. ClinVar contains an entry for this variant (Variation ID: 2177425). Advanced modeling of protein sequence and biophysical properties (such as structural, functional, and spatial information, amino acid conservation, physicochemical variation, residue mobility, and thermodynamic stability) performed at Invitae indicates that this missense variant is not expected to disrupt CA5A protein function with a negative predictive value of 80%. In summary, the available evidence is currently insufficient to determine the role of this variant in disease. Therefore, it has been classified as a Variant of Uncertain Significance.

NM_001739.2(CA5A):c.322G>A (p.Asp108Asn)

Gene: CA5A (carbonic anhydrase 5A; minus strand). Cytogenetic location: 16q24.2.
Variant type: single nucleotide variant.
Coding change: c.322G>A on transcript NM_001739.2 (MANE Select); coding-DNA position 322, G replaced by A.
Protein change: p.Asp108Asn; replaces aspartic acid 108 with asparagine.
Molecular consequence: missense variant. On other transcripts: non-coding transcript variant (2).
Genome position (GRCh38, 1-based): chr16:87,926,766, C>T on the plus strand (G>A on the coding strand, the complement: CA5A is on the minus strand). VCF-style: chr16-87926766-C-T. GRCh37 (hg19) VCF-style: chr16-87960372-C-T.
Other names: c.322G>A, p.Asp108Asn (NM_001367225.1); short protein forms D108N.
Identifiers: ClinVar variation 2177425 (VCV002177425.2), dbSNP rs570806518, ClinGen allele CA8223556.
Genomic context (GRCh38, chr16:87,926,766, plus strand): 5'-AACGGGAGAGGACAAAGCCCTCGAGCCCCAGCTGGCACTCACCTGATGCCTCGGTGGCAT[C>T]GTCAAATTCCACCTGGAAGAGGTAGCCAGTGTTCCAGATGTACAGGCAGGATGCCGCTTC-3'
Protein context (NP_001730.1, residues 98-118): TGYLFQVEFD[Asp108Asn]ATEASGISGG